The following is an entry in ClinVar:

NM_002693.3(POLG):c.617G>T (p.Gly206Val)

Genes: POLG (DNA polymerase gamma, catalytic subunit; minus strand), POLGARF (POLG alternative reading frame; minus strand). Cytogenetic location: 15q26.1.
Variant type: single nucleotide variant.
Coding change: c.617G>T on transcript NM_002693.3 (MANE Select); coding-DNA position 617, G replaced by T.
Protein change: p.Gly206Val; replaces glycine 206 with valine.
Molecular consequence: missense variant. On other transcripts: synonymous variant (1).
Genome position (GRCh38, 1-based): chr15:89,333,138, C>A on the plus strand (G>T on the coding strand, the complement: POLG is on the minus strand). VCF-style: chr15-89333138-C-A. GRCh37 (hg19) VCF-style: chr15-89876369-C-A.
Other names: c.672G>T, p.Gly224= (NM_001430120.1); c.617G>T, p.Gly206Val (NM_001126131.2); short protein forms G206V.
Identifiers: ClinVar variation 3392600 (VCV003392600.1).

ClinVar aggregate classification (germline): Uncertain significance (1 of 4 stars; one submission).

Submission:

GeneDx
Classification: Uncertain significance. Last evaluated: 2024-06-28. Review status: criteria provided, single submitter. Criteria: GeneDx Variant Classification Process June 2021. Collection method: clinical testing. Allele origin: germline. Affected: yes.
Comment: Not observed at significant frequency in large population cohorts (gnomAD); In silico analysis supports that this missense variant has a deleterious effect on protein structure/function; In silico analysis supports a deleterious effect on splicing; Has not been previously published as pathogenic or benign to our knowledge